The following is an entry in ClinVar:

NM_003482.4(KMT2D):c.3782C>T (p.Thr1261Ile)

Genes: KMT2D (lysine methyltransferase 2D; minus strand), LOC126861520 (CDK7 strongly-dependent group 2 enhancer GRCh37_chr12:49442744-49443943; plus strand). Cytogenetic location: 12q13.12.
Variant type: single nucleotide variant.
Coding change: c.3782C>T on transcript NM_003482.4 (MANE Select); coding-DNA position 3782, C replaced by T.
Protein change: p.Thr1261Ile; replaces threonine 1261 with isoleucine.
Molecular consequence: missense variant.
Genome position (GRCh38, 1-based): chr12:49,049,806, G>A on the plus strand (C>T on the coding strand, the complement: KMT2D is on the minus strand). VCF-style: chr12-49049806-G-A. GRCh37 (hg19) VCF-style: chr12-49443589-G-A.
Other names: short protein forms T1261I.
Identifiers: ClinVar variation 2066541 (VCV002066541.5), dbSNP rs2120640870, ClinGen allele CA384653465.

ClinVar aggregate classification (germline): Uncertain significance. Review status: criteria provided, multiple submitters, no conflicts (2 of 4 stars). 2 submissions from 2 submitters: Uncertain significance (2). Last evaluated 2023-09-15.

Conditions:
Kabuki syndrome 1 (KABUK1). Also called: KMT2D-Related Kabuki Syndrome. Identifiers: Orphanet 2322, MedGen CN030661, MONDO:0007843, OMIM 147920.
Kabuki syndrome. Also called: NIIKAWA-KUROKI SYNDROME; Kabuki make-up syndrome. Identifiers: Orphanet 2322, MedGen C0796004, MONDO:0016512.

Submissions (2):

Baylor Genetics
Classification: Uncertain significance for Kabuki syndrome 1. Last evaluated: 2023-09-15. Review status: criteria provided, single submitter. Criteria: ACMG Guidelines, 2015. Collection method: clinical testing. Allele origin: unknown.

Labcorp Genetics (formerly Invitae), Labcorp
Classification: Uncertain significance for Kabuki syndrome. Last evaluated: 2023-03-23. Review status: criteria provided, single submitter. Criteria: Invitae Variant Classification Sherloc (09022015). Collection method: clinical testing. Allele origin: germline.
Comment: In summary, the available evidence is currently insufficient to determine the role of this variant in disease. Therefore, it has been classified as a Variant of Uncertain Significance. Advanced modeling of protein sequence and biophysical properties (such as structural, functional, and spatial information, amino acid conservation, physicochemical variation, residue mobility, and thermodynamic stability) performed at Invitae indicates that this missense variant is not expected to disrupt KMT2D protein function. ClinVar contains an entry for this variant (Variation ID: 2066541). This variant has not been reported in the literature in individuals affected with KMT2D-related conditions. This variant is not present in population databases (gnomAD no frequency). This sequence change replaces threonine, which is neutral and polar, with isoleucine, which is neutral and non-polar, at codon 1261 of the KMT2D protein (p.Thr1261Ile).